The following is an entry in ClinVar:

NM_001370259.2(MEN1):c.428T>A (p.Leu143His)

Gene: MEN1 (menin 1; minus strand). Cytogenetic location: 11q13.1.
Variant type: single nucleotide variant.
Coding change: c.428T>A on transcript NM_001370259.2 (MANE Select); coding-DNA position 428, T replaced by A.
Protein change: p.Leu143His; replaces leucine 143 with histidine.
Molecular consequence: missense variant. On other transcripts: non-coding transcript variant (4).
Genome position (GRCh38, 1-based): chr11:64,809,682, A>T on the plus strand (T>A on the coding strand, the complement: MEN1 is on the minus strand). VCF-style: chr11-64809682-A-T. GRCh37 (hg19) VCF-style: chr11-64577154-A-T.
Other names: c.428T>A, p.Leu143His (NM_000244.4, NM_001370251.2, NM_001370260.2 and 20 more transcripts); short protein forms L143H.
Identifiers: ClinVar variation 3634209 (VCV003634209.2).

ClinVar aggregate classification (germline): Likely pathogenic (1 of 4 stars; one submission).

Conditions:
Multiple endocrine neoplasia, type 1 (MEN1). Also called: MEN I; WERMER SYNDROME; Endocrine adenomatosis multiple; MEN 1; MEA I. Identifiers: Orphanet 652, MedGen C0025267, MeSH D018761, MONDO:0007540, OMIM 131100.

Submission:

Labcorp Genetics (formerly Invitae), Labcorp
Classification: Likely pathogenic for Multiple endocrine neoplasia, type 1. Last evaluated: 2024-04-28. Review status: criteria provided, single submitter. Criteria: Invitae Variant Classification Sherloc (09022015). Collection method: clinical testing. Allele origin: germline.
Comment: This sequence change replaces leucine, which is neutral and non-polar, with histidine, which is basic and polar, at codon 143 of the MEN1 protein (p.Leu143His). This variant is not present in population databases (gnomAD no frequency). This missense change has been observed in individuals with MEN1-related conditions (PMID: 23188049; Invitae). Advanced modeling of protein sequence and biophysical properties (such as structural, functional, and spatial information, amino acid conservation, physicochemical variation, residue mobility, and thermodynamic stability) performed at Invitae indicates that this missense variant is expected to disrupt MEN1 protein function with a positive predictive value of 95%. In summary, the currently available evidence indicates that the variant is pathogenic, but additional data are needed to prove that conclusively. Therefore, this variant has been classified as Likely Pathogenic.

Literature cited by the submitters: PubMed 23188049.